The following is an entry in ClinVar:

ClinVar aggregate classification (germline): Uncertain significance (1 of 4 stars; one submission).

gnomAD v4.1: 1 of 1,614,088 alleles (0.000062%); highest among the groups gnomAD compares: Non-Finnish European, 0.000085%; no homozygotes.

Submission:

GeneDx
Classification: Uncertain significance. Last evaluated: 2024-08-21. Review status: criteria provided, single submitter. Criteria: GeneDx Variant Classification Process June 2021. Collection method: clinical testing. Allele origin: germline. Affected: yes.
Comment: Not observed at significant frequency in large population cohorts (gnomAD); In silico analysis supports that this missense variant has a deleterious effect on protein structure/function; Has not been previously published as pathogenic or benign to our knowledge

NM_001130438.3(SPTAN1):c.3224C>A (p.Ser1075Tyr)

Gene: SPTAN1 (spectrin alpha, non-erythrocytic 1; plus strand). Cytogenetic location: 9q34.11.
Variant type: single nucleotide variant.
Coding change: c.3224C>A on transcript NM_001130438.3 (MANE Select); coding-DNA position 3224, C replaced by A.
Protein change: p.Ser1075Tyr; replaces serine 1075 with tyrosine.
Molecular consequence: missense variant.
Genome position (GRCh38, 1-based): chr9:128,594,183, C>A. VCF-style: chr9-128594183-C-A. GRCh37 (hg19) VCF-style: chr9-131356462-C-A.
Other names: c.3164C>A, p.Ser1055Tyr (NM_001195532.2, NM_001363765.2, NM_001375314.2); c.3224C>A, p.Ser1075Tyr (NM_001363759.2, NM_001375310.1, NM_001375311.2 and 2 more transcripts); c.3260C>A, p.Ser1087Tyr (NM_001375312.2, NM_001375318.1); short protein forms S1055Y, S1075Y, S1087Y.
Identifiers: ClinVar variation 3764111 (VCV003764111.1).